The following is an entry in ClinVar:

ClinVar aggregate classification (germline): Uncertain significance (1 of 4 stars; one submission).

Conditions:
Idiopathic generalized epilepsy. Also called: Generalised epilepsy; EIG. Identifiers: MedGen C0270850, MONDO:0005579, OMIM 600669.
Hyperaldosteronism, familial, type IV (HALD4). Also called: FH IV; ALDOSTERONISM, PRIMARY, AND HYPERTENSION. Identifiers: Orphanet 642671, MedGen C4310756, MONDO:0014875, OMIM 617027.

gnomAD v4.1: 1 of 1,599,042 alleles (0.000063%); highest among the groups gnomAD compares: Admixed American, 0.0017%; no homozygotes.

Submission:

Labcorp Genetics (formerly Invitae), Labcorp
Classification: Uncertain significance for Idiopathic generalized epilepsy; Hyperaldosteronism, familial, type IV. Last evaluated: 2021-10-12. Review status: criteria provided, single submitter. Criteria: Invitae Variant Classification Sherloc (09022015). Collection method: clinical testing. Allele origin: germline.
Comment: In summary, the available evidence is currently insufficient to determine the role of this variant in disease. Therefore, it has been classified as a Variant of Uncertain Significance. Advanced modeling of protein sequence and biophysical properties (such as structural, functional, and spatial information, amino acid conservation, physicochemical variation, residue mobility, and thermodynamic stability) performed at Invitae indicates that this missense variant is not expected to disrupt CACNA1H protein function. This variant has not been reported in the literature in individuals affected with CACNA1H-related conditions. This variant is not present in population databases (ExAC no frequency). This sequence change replaces serine with tryptophan at codon 303 of the CACNA1H protein (p.Ser303Trp). The serine residue is moderately conserved and there is a large physicochemical difference between serine and tryptophan.

NM_021098.3(CACNA1H):c.908C>G (p.Ser303Trp)

Gene: CACNA1H (calcium voltage-gated channel subunit alpha1 H; plus strand). Cytogenetic location: 16p13.3.
Variant type: single nucleotide variant.
Coding change: c.908C>G on transcript NM_021098.3 (MANE Select); coding-DNA position 908, C replaced by G.
Protein change: p.Ser303Trp; replaces serine 303 with tryptophan.
Molecular consequence: missense variant.
Genome position (GRCh38, 1-based): chr16:1,200,360, C>G. VCF-style: chr16-1200360-C-G. GRCh37 (hg19) VCF-style: chr16-1250360-C-G.
Other names: c.908C>G, p.Ser303Trp (NM_001005407.2); short protein forms S303W.
Identifiers: ClinVar variation 1399157 (VCV001399157.6), dbSNP rs867008505, ClinGen allele CA394156353.